The following is an entry in ClinVar:

NM_001370259.2(MEN1):c.1391_1405del (p.Ala464_Glu468del)

Gene: MEN1 (menin 1; minus strand). Cytogenetic location: 11q13.1.
Variant type: Deletion.
Coding change: c.1391_1405del on transcript NM_001370259.2 (MANE Select); coding-DNA positions 1391 to 1405, 15 bases deleted (CGGCCGAGGCCGAGG).
Protein change: p.Ala464_Glu468del.
Molecular consequence: inframe deletion.
Genome position (GRCh38, 1-based): chr11:64,804,762-64,804,776, CCTCGGCCTCGGCCG deleted on the plus strand (CGGCCGAGGCCGAGG on the coding strand, the reverse complement: MEN1 is on the minus strand); deleting any 15 consecutive bases within chr11:64,804,762-64,804,786 gives the same sequence; the c. name uses the placement nearest the transcript's 3' end. VCF-style (leftmost placement, unchanged base first): chr11-64804761-TCCTCGGCCTCGGCCG-T. GRCh37 (hg19) VCF-style: chr11-64572233-TCCTCGGCCTCGGCCG-T.
Other names: c.1391_1405delCGGCCGAGGCCGAGG (NM_130799.2); c.1406_1420del, p.Ala469_Glu473del (NM_000244.4, NM_130800.3, NM_130801.3 and 3 more transcripts); c.1517_1531del, p.Ala506_Glu510del (NM_001370251.2); c.1391_1405del, p.Ala464_Glu468del (NM_001370260.2, NM_001370261.2, NM_130799.3); c.1286_1300del, p.Ala429_Glu433del (NM_001370262.2, NM_001370263.2).
Identifiers: ClinVar variation 659182 (VCV000659182.12), dbSNP rs1592633626, ClinGen allele CA915948600.
Genomic context (GRCh38, chr11:64,804,761, plus strand): 5'-GGCTTGGACTCCCGCCGTGGGCCCCGCCGCCGGCCTTCCCGGGCTTCCTCGCCCCACGGC[TCCTCGGCCTCGGCCG>T]CCTCGGCCTCTCGGCTCACTATGCGCACCTTCTGCCGCACCTGGGCCAGTGGGGAGAGCA-3'

ClinVar aggregate classification (germline): Uncertain significance. Review status: criteria provided, multiple submitters, no conflicts (2 of 4 stars). 3 submissions from 3 submitters: Uncertain significance (3). Last evaluated 2025-07-02.

Conditions:
Hereditary cancer-predisposing syndrome. Also called: Tumor predisposition; Hereditary neoplastic syndrome; Neoplastic Syndromes, Hereditary; Hereditary Cancer Syndrome. Identifiers: Orphanet 140162, MedGen C0027672, MeSH D009386, MONDO:0015356.
Multiple endocrine neoplasia, type 1 (MEN1). Also called: MEA I; MEN I; WERMER SYNDROME; Endocrine adenomatosis multiple; MEN 1. Identifiers: Orphanet 652, MedGen C0025267, MeSH D018761, MONDO:0007540, OMIM 131100.

Submissions (3):

Labcorp Genetics (formerly Invitae), Labcorp
Classification: Uncertain significance for Multiple endocrine neoplasia, type 1. Last evaluated: 2025-07-02. Review status: criteria provided, single submitter. Criteria: Invitae Variant Classification Sherloc (09022015). Collection method: clinical testing. Allele origin: germline.
Comment: This variant, c.1391_1405del, results in the deletion of 5 amino acid(s) of the MEN1 protein (p.Ala464_Glu468del), but otherwise preserves the integrity of the reading frame. This variant is not present in population databases (gnomAD no frequency). This variant has not been reported in the literature in individuals affected with MEN1-related conditions. ClinVar contains an entry for this variant (Variation ID: 659182). Experimental studies and prediction algorithms are not available or were not evaluated, and the functional significance of this variant is currently unknown. In summary, the available evidence is currently insufficient to determine the role of this variant in disease. Therefore, it has been classified as a Variant of Uncertain Significance.

Ambry Genetics
Classification: Uncertain significance for Hereditary cancer-predisposing syndrome. Last evaluated: 2024-07-16. Review status: criteria provided, single submitter. Criteria: Ambry Variant Classification Scheme 2023. Collection method: clinical testing. Allele origin: germline.
Comment: The c.1391_1405del15 variant (also known as p.A464_E468del) is located in coding exon 9 of the MEN1 gene. This variant results from an in-frame CGGCCGAGGCCGAGG deletion at nucleotide positions 1391 to 1405. This results in the in-frame deletion of 5 amino acids (AAEAE) at codons 464 to 468. This amino acid region is not well conserved in available vertebrate species. In addition, the in silico prediction for this alteration is inconclusive (Choi Y et al. PLoS ONE. 2012; 7(10):e46688). Based on the available evidence, the clinical significance of this variant remains unclear.

Baylor Genetics
Classification: Uncertain significance for Multiple Endocrine Neoplasia Type 1. Last evaluated: 2024-03-13. Review status: criteria provided, single submitter. Criteria: ACMG Guidelines, 2015. Collection method: clinical testing. Allele origin: unknown.